The following is an entry in ClinVar:

NM_130837.3(OPA1):c.2332-3C>T

Gene: OPA1 (OPA1 mitochondrial dynamin like GTPase; plus strand). Cytogenetic location: 3q29.
Variant type: single nucleotide variant.
Coding change: c.2332-3C>T on transcript NM_130837.3 (MANE Select); 3 bases into the intron before coding-DNA position 2332, C replaced by T.
Molecular consequence: intron variant.
Genome position (GRCh38, 1-based): chr3:193,658,884, C>T. VCF-style: chr3-193658884-C-T. GRCh37 (hg19) VCF-style: chr3-193376673-C-T.
Other names: c.1795-3C>T (NM_001354664.2); c.1798-3C>T (NM_001354663.2); c.2221-3C>T (NM_130834.3); c.2278-3C>T (NM_130836.3); c.2167-3C>T (NM_015560.3); c.2224-3C>T (NM_130835.3); c.2113-3C>T (NM_130832.3); c.2170-3C>T (NM_130833.3); and 1 more.
Identifiers: ClinVar variation 1977006 (VCV001977006.5), dbSNP rs780865663, ClinGen allele CA2759634.

ClinVar aggregate classification (germline): Uncertain significance (1 of 4 stars; one submission).

Allele frequency attached by ClinVar (database versions not stated): ExAC 0.00001; gnomAD 0.00001; TOPMed 0.00002.
gnomAD v4.1: 2 of 1,606,110 alleles (0.00012%); highest among the groups gnomAD compares: African/African-American, 0.0027%; no homozygotes.

Submission:

Labcorp Genetics (formerly Invitae), Labcorp
Classification: Uncertain significance. Last evaluated: 2024-10-15. Review status: criteria provided, single submitter. Criteria: Invitae Variant Classification Sherloc (09022015). Collection method: clinical testing. Allele origin: germline.
Comment: This sequence change falls in intron 21 of the OPA1 gene. It does not directly change the encoded amino acid sequence of the OPA1 protein. It affects a nucleotide within the consensus splice site. This variant is present in population databases (rs780865663, gnomAD 0.007%). This variant has not been reported in the literature in individuals affected with OPA1-related conditions. ClinVar contains an entry for this variant (Variation ID: 1977006). Variants that disrupt the consensus splice site are a relatively common cause of aberrant splicing (PMID: 17576681, 9536098). Algorithms developed to predict the effect of sequence changes on RNA splicing suggest that this variant is not likely to affect RNA splicing. In summary, the available evidence is currently insufficient to determine the role of this variant in disease. Therefore, it has been classified as a Variant of Uncertain Significance.

Literature cited by the submitters: PubMed 17576681; PubMed 9536098.